The following is an entry in ClinVar:

NM_001429.4(EP300):c.599G>A (p.Arg200Gln)

Gene: EP300 (EP300 lysine acetyltransferase; plus strand). Cytogenetic location: 22q13.2.
Variant type: single nucleotide variant.
Coding change: c.599G>A on transcript NM_001429.4 (MANE Select); coding-DNA position 599, G replaced by A.
Protein change: p.Arg200Gln; replaces arginine 200 with glutamine.
Molecular consequence: missense variant.
Genome position (GRCh38, 1-based): chr22:41,117,691, G>A. VCF-style: chr22-41117691-G-A. GRCh37 (hg19) VCF-style: chr22-41513695-G-A.
Other names: c.599G>A, p.Arg200Gln (NM_001362843.2); short protein forms R200Q.
Identifiers: ClinVar variation 4989759 (VCV004989759.1).
Genomic context (GRCh38, chr22:41,117,691, plus strand): 5'-CAGGCAATGGACAAGGGATAATGCCTAATCAAGTCATGAACGGTTCAATTGGAGCAGGCC[G>A]AGGGCGACAGAATATGCAGTACCCAAACCCAGGCATGGGAAGTGCTGGCAACTTACTGAC-3'
Protein context (NP_001420.2, residues 190-210): QVMNGSIGAG[Arg200Gln]GRQNMQYPNP

ClinVar aggregate classification (germline): Uncertain significance (1 of 4 stars; one submission).

Conditions:
EP300-related disorder. Also called: EP300-related condition; EP300-related disorders.

gnomAD v4.1: 4 of 1,614,196 alleles (0.00025%); highest among the groups gnomAD compares: East Asian, 0.0022%; no homozygotes.

Submission:

PreventionGenetics, part of Exact Sciences
Classification: Uncertain significance for EP300-related condition. Last evaluated: 2026-01-29. Review status: criteria provided, single submitter. Criteria: ACMG Guidelines, 2015. Collection method: clinical testing. Allele origin: germline.
Comment: The EP300 c.599G>A variant is predicted to result in the amino acid substitution p.Arg200Gln. To our knowledge, this variant has not been reported in the literature. This variant is reported in 0.0054% of alleles in individuals of East Asian descent in gnomAD. At this time, the clinical significance of this variant is uncertain due to the absence of conclusive functional and genetic evidence.